The following is an entry in ClinVar:

NM_000284.4(PDHA1):c.536T>G (p.Leu179Arg)

Gene: PDHA1 (pyruvate dehydrogenase E1 subunit alpha 1; plus strand). Cytogenetic location: Xp22.12.
Variant type: single nucleotide variant.
Coding change: c.536T>G on transcript NM_000284.4 (MANE Select); coding-DNA position 536, T replaced by G.
Protein change: p.Leu179Arg; replaces leucine 179 with arginine.
Molecular consequence: missense variant. On other transcripts: intron variant (1).
Genome position (GRCh38, 1-based): chrX:19,354,516, T>G. VCF-style: chrX-19354516-T-G. GRCh37 (hg19) VCF-style: chrX-19372634-T-G.
Other names: c.536T>G (NM_000284.3); c.650T>G, p.Leu217Arg (NM_001173454.2); c.557T>G, p.Leu186Arg (NM_001173455.2); c.511-833T>G (NM_001173456.2); short protein forms L179R, L217R, L186R.
Identifiers: ClinVar variation 488570 (VCV000488570.4), dbSNP rs1555934165, ClinGen allele CA412393934.

ClinVar aggregate classification (germline): Likely pathogenic. Review status: criteria provided, single submitter (1 of 4 stars). 2 submissions from 2 submitters: Likely pathogenic (1). 1 of the submissions does not count toward it. Last evaluated 2017-12-07.

Conditions:
Pyruvate dehydrogenase E1-alpha deficiency (PDHAD). Also called: ATAXIA, INTERMITTENT, WITH PYRUVATE DEHYDROGENASE DEFICIENCY; ATAXIA WITH LACTIC ACIDOSIS I; ATAXIA, INTERMITTENT, WITH ABNORMAL PYRUVATE METABOLISM; Ataxia, intermittent, with pyruvate dehydrogenase, or decarboxylase, deficiency. Identifiers: Orphanet 79243, MedGen C1839413, MONDO:0010717, OMIM 312170.

Submissions (2):

Institute of Human Genetics Munich, TUM University Hospital
Classification: Likely pathogenic for Pyruvate dehydrogenase E1-alpha deficiency. Last evaluated: 2017-12-07. Review status: criteria provided, single submitter. Criteria: Classification criteria August 2017. Collection method: clinical testing. Allele origin: germline. Inheritance: X-linked inheritance. Affected: yes. Observed: 1 heterozygote.

PDHA1 Study Group, University Children’s Hospital, Paracelsus Medical University
Classification: Likely pathogenic for Pyruvate dehydrogenase E1-alpha deficiency. Last evaluated: 2024-10-15. Review status: no assertion criteria provided. Collection method: research. Allele origin: de novo. Affected: yes. Observed: 1 variant allele. Not counted in ClinVar's aggregate classification.
Comment: The NM_000284.3:c.536T>G (p.Leu179Arg) substitution is a missense variant in PDHA1 gene. Among them, 1 case had confirmed de novo occurrence. Last literature search: July 12, 2024. This variant is absent or extremely rare in population-based cohorts in the Genome Aggregation Database (gnomAD). Individuals harboring this variant presented with clinical features compatible with PDHA1-related PDHc deficiency. In summary, this variant meets criteria to be classified as likely pathogenic (LP) for PDHA1-related PDHc deficiency based on the ACMG/AMP criteria applied: PM1, PM2, PP3, PP4 (last assessment October 15, 2024).

Literature cited by the submitters: DOI 10.1093/brain/awaf430 (cited by PDHA1 Study Group, University Children’s Hospital, Paracelsus Medical University).